The following is an entry in ClinVar:

ClinVar aggregate classification (germline): Uncertain significance. Review status: criteria provided, multiple submitters, no conflicts (2 of 4 stars). 2 submissions from 2 submitters: Uncertain significance (2). Last evaluated 2024-05-08.

Conditions:
Simpson-Golabi-Behmel syndrome type 2. Identifiers: Orphanet 79022, MedGen C1846175, MONDO:0010265, OMIM 300209.
Joubert syndrome 10 (JBTS10). Identifiers: Orphanet 2754, MedGen C2749019, MONDO:0010431, OMIM 300804.
Retinitis pigmentosa 23 (RP23). Identifiers: Orphanet 791, MedGen C1419610, MONDO:0010320, OMIM 300424.
Orofaciodigital syndrome I (OFD1). Also called: OFDS I; Papillon-Leage and Psaume Syndrome; Oral-Facial-Digital Syndrome Type I. Identifiers: Orphanet 2750, MedGen C1510460, MONDO:0010702, OMIM 311200.
Joubert syndrome. Also called: CEREBELLOPARENCHYMAL DISORDER IV; JOUBERT-BOLTSHAUSER SYNDROME; Familial aplasia of the vermis. Identifiers: Orphanet 475, MedGen C5979921, MONDO:0018772.

gnomAD v4.1: 3 of 1,209,026 alleles (0.00025%); highest among the groups gnomAD compares: African/African-American, 0.0018%; no homozygotes.

Submissions (2):

Fulgent Genetics
Classification: Uncertain significance for Simpson-Golabi-Behmel syndrome type 2; Retinitis pigmentosa 23; Joubert syndrome 10; Orofaciodigital syndrome I. Last evaluated: 2024-05-08. Review status: criteria provided, single submitter. Criteria: ACMG Guidelines, 2015. Collection method: clinical testing. Allele origin: germline.

Labcorp Genetics (formerly Invitae), Labcorp
Classification: Uncertain significance for Orofaciodigital syndrome I; Joubert syndrome. Last evaluated: 2024-04-12. Review status: criteria provided, single submitter. Criteria: Invitae Variant Classification Sherloc (09022015). Collection method: clinical testing. Allele origin: germline.
Comment: This sequence change replaces cysteine, which is neutral and slightly polar, with tyrosine, which is neutral and polar, at codon 253 of the OFD1 protein (p.Cys253Tyr). This variant is present in population databases (no rsID available, gnomAD 0.001%). This variant has not been reported in the literature in individuals affected with OFD1-related conditions. Algorithms developed to predict the effect of missense changes on protein structure and function output the following: SIFT: "Not Available"; PolyPhen-2: "Benign"; Align-GVGD: "Not Available". The tyrosine amino acid residue is found in multiple mammalian species, which suggests that this missense change does not adversely affect protein function. In summary, the available evidence is currently insufficient to determine the role of this variant in disease. Therefore, it has been classified as a Variant of Uncertain Significance.

NM_003611.3(OFD1):c.758G>A (p.Cys253Tyr)

Gene: OFD1 (OFD1 centriole and centriolar satellite protein; plus strand). Cytogenetic location: Xp22.2.
Variant type: single nucleotide variant.
Coding change: c.758G>A on transcript NM_003611.3 (MANE Select); coding-DNA position 758, G replaced by A.
Protein change: p.Cys253Tyr; replaces cysteine 253 with tyrosine.
Molecular consequence: missense variant.
Genome position (GRCh38, 1-based): chrX:13,746,883, G>A. VCF-style: chrX-13746883-G-A. GRCh37 (hg19) VCF-style: chrX-13765002-G-A.
Other names: c.758G>A, p.Cys253Tyr (NM_001330209.2); c.338G>A, p.Cys113Tyr (NM_001330210.2); short protein forms C113Y, C253Y.
Identifiers: ClinVar variation 3598065 (VCV003598065.3).
Genomic context (GRCh38, chrX:13,746,883, plus strand): 5'-AAGCAAAAAAAAAGTATGAAAAGGAGTTAACCATGTTCCAGAATGATTTTGAAAAAGCTT[G>A]TCAAGCAAAATCTGAAGCTCTCGTTCTTCGGGAAAAGAGTACCCTTGAAAGAATTCACAA-3'
Protein context (NP_003602.1, residues 243-263): TMFQNDFEKA[Cys253Tyr]QAKSEALVLR